The following is an entry in ClinVar:

ClinVar aggregate classification (germline): Uncertain significance. Review status: criteria provided, multiple submitters, no conflicts (2 of 4 stars). 2 submissions from 2 submitters: Uncertain significance (2). Last evaluated 2025-07-14.

Conditions:
Spermatogenic failure 18. Identifiers: MedGen C4539783, MONDO:0054615, OMIM 617576.
Ciliary dyskinesia, primary, 37 (CILD37). Also called: CILIARY DYSKINESIA, PRIMARY, 37, WITH OR WITHOUT SITUS INVERSUS. Identifiers: MedGen C4539798, MONDO:0033204, OMIM 617577.

gnomAD v4.1: 4 of 1,613,702 alleles (0.00025%); highest among the groups gnomAD compares: African/African-American, 0.0013%; no homozygotes.

Submissions (2):

Labcorp Genetics (formerly Invitae), Labcorp
Classification: Uncertain significance for Ciliary dyskinesia, primary, 37; Spermatogenic failure 18. Last evaluated: 2025-07-14. Review status: criteria provided, single submitter. Criteria: Invitae Variant Classification Sherloc (09022015). Collection method: clinical testing. Allele origin: germline.
Comment: This sequence change replaces arginine, which is basic and polar, with histidine, which is basic and polar, at codon 3132 of the DNAH1 protein (p.Arg3132His). This variant is present in population databases (no rsID available, gnomAD 0.0009%). This variant has not been reported in the literature in individuals affected with DNAH1-related conditions. ClinVar contains an entry for this variant (Variation ID: 3362716). Invitae Evidence Modeling of protein sequence and biophysical properties (such as structural, functional, and spatial information, amino acid conservation, physicochemical variation, residue mobility, and thermodynamic stability) has been performed for this missense variant. However, the output from this modeling did not meet the statistical confidence thresholds required to predict the impact of this variant on DNAH1 protein function. In summary, the available evidence is currently insufficient to determine the role of this variant in disease. Therefore, it has been classified as a Variant of Uncertain Significance.

Genomic Medicine Center of Excellence, King Faisal Specialist Hospital and Research Centre
Classification: Uncertain significance for Spermatogenic failure 18. Last evaluated: 2024-09-22. Review status: criteria provided, single submitter. Criteria: ACMG Guidelines, 2015. Collection method: clinical testing. Allele origin: germline.

NM_015512.5(DNAH1):c.9395G>A (p.Arg3132His)

Gene: DNAH1 (dynein axonemal heavy chain 1; plus strand). Cytogenetic location: 3p21.1.
Variant type: single nucleotide variant.
Coding change: c.9395G>A on transcript NM_015512.5 (MANE Select); coding-DNA position 9395, G replaced by A.
Protein change: p.Arg3132His; replaces arginine 3132 with histidine.
Molecular consequence: missense variant.
Genome position (GRCh38, 1-based): chr3:52,388,837, G>A. VCF-style: chr3-52388837-G-A. GRCh37 (hg19) VCF-style: chr3-52422853-G-A.
Other names: short protein forms R3132H.
Identifiers: ClinVar variation 3362716 (VCV003362716.3).